The following is an entry in ClinVar:

NM_000548.5(TSC2):c.2995A>T (p.Ser999Cys)

Gene: TSC2 (TSC complex subunit 2; plus strand). Cytogenetic location: 16p13.3.
Variant type: single nucleotide variant.
Coding change: c.2995A>T on transcript NM_000548.5 (MANE Select); coding-DNA position 2995, A replaced by T.
Protein change: p.Ser999Cys; replaces serine 999 with cysteine.
Molecular consequence: missense variant.
Genome position (GRCh38, 1-based): chr16:2,079,060, A>T. VCF-style: chr16-2079060-A-T. GRCh37 (hg19) VCF-style: chr16-2129061-A-T.
Other names: c.2863A>T, p.Ser955Cys (NM_001077183.3, NM_001370404.1); c.2995A>T, p.Ser999Cys (NM_001114382.3); c.2755A>T, p.Ser919Cys (NM_001318827.2); c.2719A>T, p.Ser907Cys (NM_001318829.2); c.2263A>T, p.Ser755Cys (NM_001318831.2); c.2896A>T, p.Ser966Cys (NM_001318832.2); c.2866A>T, p.Ser956Cys (NM_001363528.2, NM_001370405.1, NM_021055.3); c.2995A>T (NM_000548.4); short protein forms S955C, S755C, S907C, S919C, S956C, S966C, S999C.
Identifiers: ClinVar variation 652670 (VCV000652670.20), dbSNP rs777089012, ClinGen allele CA043657.

ClinVar aggregate classification (germline): Conflicting classifications of pathogenicity. Review status: criteria provided, conflicting classifications (1 of 4 stars). 7 submissions from 7 submitters: Uncertain significance (4); Benign (1); Likely benign (2). Last evaluated 2026-01-05.

Conditions:
Hereditary cancer-predisposing syndrome. Also called: Neoplastic Syndromes, Hereditary; Tumor predisposition; Hereditary neoplastic syndrome; Hereditary Cancer Syndrome. Identifiers: Orphanet 140162, MedGen C0027672, MeSH D009386, MONDO:0015356.
Tuberous sclerosis 2 (TSC2). Identifiers: Orphanet 805, MedGen C1860707, MONDO:0013199, OMIM 613254.
Tuberous sclerosis syndrome (TSC). Also called: Tuberous sclerosis; Tuberous Sclerosis Complex. Identifiers: Orphanet 805, MedGen C0041341, MONDO:0001734.
Lymphangiomyomatosis (LAM). Also called: Lymphangioleiomyomatosis; Lymphangioleiomyomatosis, somatic. Identifiers: Orphanet 538, MedGen C0751674, MONDO:0011705, OMIM 606690.
Isolated focal cortical dysplasia type II (FCORD2). Also called: CORTICAL DYSPLASIA OF TAYLOR; Focal cortical dysplasia type II. Identifiers: Orphanet 268994, MedGen C1846385, MONDO:0011818, OMIM 607341, HP:0032051.
TSC2-related disorder. Also called: TSC2-Related Disorders; TSC2-related condition.

Allele frequency attached by ClinVar (database versions not stated): ExAC 0.00001; gnomAD exomes 0.00001; gnomAD 0.00003 and 0.00005; TOPMed 0.00005.
gnomAD v4.1: 8 of 1,612,754 alleles (0.0005%); highest among the groups gnomAD compares: African/African-American, 0.011%; no homozygotes.

Submissions (7):

Labcorp Genetics (formerly Invitae), Labcorp
Classification: Benign for Tuberous sclerosis 2. Last evaluated: 2026-01-05. Review status: criteria provided, single submitter. Criteria: Invitae Variant Classification Sherloc (09022015). Collection method: clinical testing. Allele origin: germline.

Ambry Genetics
Classification: Likely benign for Hereditary cancer-predisposing syndrome. Last evaluated: 2025-09-02. Review status: criteria provided, single submitter. Criteria: Ambry Variant Classification Scheme 2023. Collection method: clinical testing. Allele origin: germline.

PreventionGenetics, part of Exact Sciences
Classification: Uncertain significance for TSC2-related condition. Last evaluated: 2024-12-30. Review status: criteria provided, single submitter. Criteria: ACMG Guidelines, 2015. Collection method: clinical testing. Allele origin: germline.
Comment: The TSC2 c.2995A>T variant is predicted to result in the amino acid substitution p.Ser999Cys. To our knowledge, this variant has not been reported in the literature. This variant is reported in 0.012% of alleles in individuals of African descent in gnomAD and has conflicting interpretations regarding its pathogenicity in ClinVar, ranging from benign to uncertain. Although we suspect that this variant may be benign, at this time, the clinical significance of this variant is uncertain due to the absence of conclusive functional and genetic evidence.

GeneDx
Classification: Uncertain significance. Last evaluated: 2024-09-26. Review status: criteria provided, single submitter. Criteria: GeneDx Variant Classification Process June 2021. Collection method: clinical testing. Allele origin: germline. Affected: yes.
Comment: In silico analysis supports that this missense variant has a deleterious effect on protein structure/function; In silico analysis suggests this variant may impact gene splicing. In the absence of RNA/functional studies, the actual effect of this sequence change is unknown.; Has not been previously published as pathogenic or benign to our knowledge

Myriad Genetics, Inc.
Classification: Likely benign for Tuberous sclerosis 2. Last evaluated: 2024-08-14. Review status: criteria provided, single submitter. Criteria: Myriad Autosomal Dominant, Autosomal Recessive and X-Linked Classification Criteria (2023). Collection method: clinical testing. Allele origin: unknown.
Comment: This variant is considered likely benign. This variant has been observed at a population frequency that is significantly greater than expected given the associated disease prevalence and penetrance.

Color Diagnostics, LLC DBA Color Health
Classification: Uncertain significance for Tuberous sclerosis syndrome. Last evaluated: 2024-03-06. Review status: criteria provided, single submitter. Criteria: ACMG Guidelines, 2015. Collection method: clinical testing. Allele origin: germline.
Comment: This missense variant replaces serine with cysteine at codon 999 of the TSC2 protein. Computational prediction is inconclusive regarding the impact of this variant on protein structure and function. To our knowledge, functional studies have not been reported for this variant. This variant has not been reported in individuals affected with tuberous sclerosis complex in the literature. This variant has been identified in 3/281766 chromosomes in the general population by the Genome Aggregation Database (gnomAD). The available evidence is insufficient to determine the role of this variant in disease conclusively. Therefore, this variant is classified as a Variant of Uncertain Significance.

Fulgent Genetics
Classification: Uncertain significance for Lymphangiomyomatosis; Isolated focal cortical dysplasia type II; Tuberous sclerosis 2. Last evaluated: 2022-04-21. Review status: criteria provided, single submitter. Criteria: ACMG Guidelines, 2015. Collection method: clinical testing. Allele origin: unknown.